The following is an entry in ClinVar:

NM_001389.5(DSCAM):c.1163G>T (p.Arg388Leu)

Gene: DSCAM (DS cell adhesion molecule; minus strand). Cytogenetic location: 21q22.2.
Variant type: single nucleotide variant.
Coding change: c.1163G>T on transcript NM_001389.5 (MANE Select); coding-DNA position 1163, G replaced by T.
Protein change: p.Arg388Leu; replaces arginine 388 with leucine.
Molecular consequence: missense variant. On other transcripts: non-coding transcript variant (1).
Genome position (GRCh38, 1-based): chr21:40,347,717, C>A on the plus strand (G>T on the coding strand, the complement: DSCAM is on the minus strand). VCF-style: chr21-40347717-C-A. GRCh37 (hg19) VCF-style: chr21-41719644-C-A.
Other names: c.1163G>T, p.Arg388Leu (NM_001271534.3, NM_206887.1); short protein forms R388L.
Identifiers: ClinVar variation 2634419 (VCV002634419.1), dbSNP rs369481071, ClinGen allele CA10031545.

ClinVar aggregate classification (germline): Uncertain significance (1 of 4 stars; one submission).

Conditions:
DSCAM-related disorder. Also called: DSCAM-related condition.

gnomAD v4.1: 11 of 1,614,056 alleles (0.00068%); highest among the groups gnomAD compares: East Asian, 0.0089%; no homozygotes.

Submission:

PreventionGenetics, part of Exact Sciences
Classification: Uncertain significance for DSCAM-related condition. Last evaluated: 2022-12-22. Review status: criteria provided, single submitter. Criteria: ACMG Guidelines, 2015. Collection method: clinical testing. Allele origin: germline.
Comment: The DSCAM c.1163G>T variant is predicted to result in the amino acid substitution p.Arg388Leu. This variant was reportedly paternally-inherited in an individual with an autism spectrum disorder phenotype (Additional File 5, Data 2, Guo et al 2018. PubMed ID: 30564305). This variant is reported in 0.010% of alleles in individuals of East Asian descent in gnomAD. At this time, the clinical significance of this variant is uncertain due to the absence of conclusive functional and genetic evidence.